The following is an entry in ClinVar:

ClinVar aggregate classification (germline): Conflicting classifications of pathogenicity. Review status: criteria provided, conflicting classifications (1 of 4 stars). 2 submissions from 2 submitters: Uncertain significance (1); Likely benign (1). Last evaluated 2023-03-23.

Conditions:
Hereditary breast ovarian cancer syndrome. Also called: Hereditary breast and ovarian cancer syndrome (HBOC); Hereditary breast and ovarian cancer; Hereditary breast and/or ovarian cancer syndrome; Hereditary breast and ovarian cancer syndrome; Breast and ovarian cancer; BRCA1- and BRCA2-Associated Hereditary Breast and Ovarian Cancer. Identifiers: Orphanet 145, MedGen C0677776, MeSH D061325, MONDO:0003582. Disease mechanism: loss of function.
Hereditary cancer-predisposing syndrome. Also called: Neoplastic Syndromes, Hereditary; Tumor predisposition; Hereditary neoplastic syndrome; Hereditary Cancer Syndrome. Identifiers: Orphanet 140162, MedGen C0027672, MeSH D009386, MONDO:0015356.

Submissions (2):

University of Washington Department of Laboratory Medicine, University of Washington
Classification: Likely benign for Hereditary cancer-predisposing syndrome. Last evaluated: 2023-03-23. Review status: criteria provided, single submitter. Criteria: Dines et al. (Genet Med. 2020). Collection method: curation. Allele origin: germline.
Comment: Missense variant in a coldspot region where missense variants are very unlikely to be pathogenic (PMID:31911673).

BRCA2 exon 11 coldspot. Reclassification based on statistical prior probability.

Labcorp Genetics (formerly Invitae), Labcorp
Classification: Uncertain significance for Hereditary breast ovarian cancer syndrome. Last evaluated: 2019-04-03. Review status: criteria provided, single submitter. Criteria: Invitae Variant Classification Sherloc (09022015). Collection method: clinical testing. Allele origin: germline.
Comment: In summary, the available evidence is currently insufficient to determine the role of this variant in disease. Therefore, it has been classified as a Variant of Uncertain Significance. This sequence change replaces phenylalanine with serine at codon 2234 of the BRCA2 protein (p.Phe2234Ser). The phenylalanine residue is moderately conserved and there is a large physicochemical difference between phenylalanine and serine. This variant is not present in population databases (ExAC no frequency). This variant has not been reported in the literature in individuals with BRCA2-related conditions. Algorithms developed to predict the effect of missense changes on protein structure and function are either unavailable or do not agree on the potential impact of this missense change (SIFT: "Tolerated"; PolyPhen-2: "Probably Damaging"; Align-GVGD: "Class C0").

NM_000059.4(BRCA2):c.6701T>C (p.Phe2234Ser)

Gene: BRCA2 (BRCA2 DNA repair associated; plus strand). Cytogenetic location: 13q13.1.
Variant type: single nucleotide variant.
Coding change: c.6701T>C on transcript NM_000059.4 (MANE Select); coding-DNA position 6701, T replaced by C.
Protein change: p.Phe2234Ser; replaces phenylalanine 2234 with serine.
Molecular consequence: missense variant.
Genome position (GRCh38, 1-based): chr13:32,341,056, T>C. VCF-style: chr13-32341056-T-C. GRCh37 (hg19) VCF-style: chr13-32915193-T-C.
Other names: short protein forms F2234S.
Identifiers: ClinVar variation 840847 (VCV000840847.11), dbSNP rs2072563010, ClinGen allele CA387790638.